The following is an entry in ClinVar:

ClinVar aggregate classification (germline): Likely pathogenic (1 of 4 stars; one submission).

Conditions:
Diabetes mellitus, permanent neonatal 3. Also called: ABCC8-Related Permanent Neonatal Diabetes Mellitus. Identifiers: MedGen C5394303, MONDO:0030088, OMIM 618857.
Hyperinsulinemic hypoglycemia, familial, 1 (HHF1). Also called: HYPERINSULINISM, FAMILIAL, WITH PANCREATIC NESIDIOBLASTOSIS; HYPOGLYCEMIA, HYPERINSULINEMIC, OF INFANCY; NESIDIOBLASTOSIS OF PANCREAS; Persistent hyperinsulinemic hypoglycemia of infancy; Persistent Hyperinsulinemia Hypoglycemia of Infancy. Identifiers: Orphanet 276575, Orphanet 276598, MedGen C2931832, MONDO:0009734, OMIM 256450.
Leucine-induced hypoglycemia (LIH). Also called: LEUCINE-SENSITIVE HYPOGLYCEMIA OF INFANCY. Identifiers: MedGen C0271714, MONDO:0009415, OMIM 240800.
Type 2 diabetes mellitus. Also called: Type II diabetes mellitus. Identifiers: MedGen C0011860, MeSH D003924, MONDO:0005148, OMIM 125853, HP:0005978.
Diabetes mellitus, transient neonatal, 2 (TNDM2). Identifiers: Orphanet 99886, MedGen C1835887, MONDO:0012480, OMIM 610374. Disease mechanism: loss of function.

Submission:

Juno Genomics, Hangzhou Juno Genomics, Inc
Classification: Likely pathogenic for Type 2 diabetes mellitus; Diabetes mellitus, permanent neonatal 3; Diabetes mellitus, transient neonatal, 2; Hyperinsulinemic hypoglycemia, familial, 1; Leucine-induced hypoglycemia. Review status: criteria provided, single submitter. Criteria: ACMG Guidelines, 2015. Collection method: clinical testing. Allele origin: germline.
Comment: Null variant in a gene where loss of function (LOF) is a known mechanism of disease.;Absent from controls (or at extremely low frequency if recessive) in Genome Aggregation Database.

NM_000352.6(ABCC8):c.575del (p.Val192fs)

Gene: ABCC8 (ATP binding cassette subfamily C member 8; minus strand). Cytogenetic location: 11p15.1.
Variant type: Deletion.
Coding change: c.575del on transcript NM_000352.6 (MANE Select); coding-DNA position 575, one base deleted (T; older notation c.575delT).
Protein change: p.Val192fs; shifts the reading frame from valine 192.
Molecular consequence: frameshift variant. On other transcripts: non-coding transcript variant (1).
Genome position (GRCh38, 1-based): chr11:17,463,442, A deleted on the plus strand (T on the coding strand, the reverse complement: ABCC8 is on the minus strand). VCF-style (leftmost placement, unchanged base first): chr11-17463441-CA-C. GRCh37 (hg19) VCF-style: chr11-17484988-CA-C.
Other names: c.575del, p.Val192fs (NM_001287174.3, NM_001351295.2, NM_001351296.2 and 1 more transcripts); short protein forms V192fs.
Identifiers: ClinVar variation 5007830 (VCV005007830.2).